The following is an entry in ClinVar:

NM_001366385.1(CARD14):c.876C>A (p.Asp292Glu)

Gene: CARD14 (caspase recruitment domain family member 14; plus strand). Cytogenetic location: 17q25.3.
Variant type: single nucleotide variant.
Coding change: c.876C>A on transcript NM_001366385.1 (MANE Select); coding-DNA position 876, C replaced by A.
Protein change: p.Asp292Glu; replaces aspartic acid 292 with glutamic acid.
Molecular consequence: missense variant. On other transcripts: non-coding transcript variant (1).
Genome position (GRCh38, 1-based): chr17:80,189,785, C>A. VCF-style: chr17-80189785-C-A. GRCh37 (hg19) VCF-style: chr17-78163584-C-A.
Other names: c.876C>A, p.Asp292Glu (NM_001257970.1, NM_024110.4); c.165C>A, p.Asp55Glu (NM_052819.3); short protein forms D55E, D292E.
Identifiers: ClinVar variation 2617151 (VCV002617151.5), dbSNP rs368286986, ClinGen allele CA401342806.

ClinVar aggregate classification (germline): Uncertain significance. Review status: criteria provided, multiple submitters, no conflicts (2 of 4 stars). 2 submissions from 2 submitters: Uncertain significance (2). Last evaluated 2023-08-08.

Conditions:
Psoriasis 2. Identifiers: MedGen C1864497, MONDO:0011269, OMIM 602723.
Pityriasis rubra pilaris (PRP). Also called: Pityriasis rubra pilaris--familial type. Identifiers: Orphanet 2897, MedGen C0032027, MONDO:0100017, OMIM 173200, MONDO:0008251.
Inborn genetic diseases. Identifiers: MedGen C0950123, MeSH D030342.

gnomAD v4.1: 4 of 1,586,184 alleles (0.00025%); highest among the groups gnomAD compares: African/African-American, 0.0028%; no homozygotes.

Submissions (2):

Ambry Genetics
Classification: Uncertain significance for Inborn genetic diseases. Last evaluated: 2023-08-08. Review status: criteria provided, single submitter. Criteria: Ambry Variant Classification Scheme 2023. Collection method: clinical testing. Allele origin: germline.

Labcorp Genetics (formerly Invitae), Labcorp
Classification: Uncertain significance for Pityriasis rubra pilaris; Psoriasis 2. Last evaluated: 2023-01-16. Review status: criteria provided, single submitter. Criteria: Invitae Variant Classification Sherloc (09022015). Collection method: clinical testing. Allele origin: germline.
Comment: This sequence change replaces aspartic acid, which is acidic and polar, with glutamic acid, which is acidic and polar, at codon 292 of the CARD14 protein (p.Asp292Glu). In summary, the available evidence is currently insufficient to determine the role of this variant in disease. Therefore, it has been classified as a Variant of Uncertain Significance. Advanced modeling of protein sequence and biophysical properties (such as structural, functional, and spatial information, amino acid conservation, physicochemical variation, residue mobility, and thermodynamic stability) performed at Invitae indicates that this missense variant is expected to disrupt CARD14 protein function. This variant has not been reported in the literature in individuals affected with CARD14-related conditions. The frequency data for this variant in the population databases is considered unreliable, as metrics indicate poor data quality at this position in the gnomAD database.